The following is an entry in ClinVar:

NM_000179.3(MSH6):c.2355T>A (p.His785Gln)

Gene: MSH6 (mutS homolog 6; plus strand). Cytogenetic location: 2p16.3.
Variant type: single nucleotide variant.
Coding change: c.2355T>A on transcript NM_000179.3 (MANE Select); coding-DNA position 2355, T replaced by A.
Protein change: p.His785Gln; replaces histidine 785 with glutamine.
Molecular consequence: missense variant.
Genome position (GRCh38, 1-based): chr2:47,800,338, T>A. VCF-style: chr2-47800338-T-A. GRCh37 (hg19) VCF-style: chr2-48027477-T-A.
Other names: c.1965T>A, p.His655Gln (NM_001281492.2); c.1449T>A, p.His483Gln (NM_001281493.2, NM_001281494.2); short protein forms H785Q, H655Q, H483Q.
Identifiers: ClinVar variation 410525 (VCV000410525.26), dbSNP rs1060502942, ClinGen allele CA16611005.

ClinVar aggregate classification (germline): Conflicting classifications of pathogenicity. Review status: criteria provided, conflicting classifications (1 of 4 stars). 8 submissions from 8 submitters: Uncertain significance (7); Benign (1). Last evaluated 2026-01-26.

Conditions:
Lynch syndrome. Identifiers: Orphanet 144, MedGen C4552100, MONDO:0005835. Disease mechanism: loss of function.
Lynch syndrome 5 (LYNCH5). Also called: Hereditary non-polyposis colorectal cancer, type 5; Colorectal cancer, hereditary nonpolyposis, type 5. Identifiers: Orphanet 144, MedGen C1833477, MONDO:0013710, OMIM 614350. Disease mechanism: loss of function.
Endometrial carcinoma. Also called: Endometrial carcinoma, somatic. Identifiers: MedGen C0476089, MONDO:0002447, OMIM 608089, HP:0012114.
Hereditary nonpolyposis colorectal neoplasms. Identifiers: MedGen C0009405, MeSH D003123.
Hereditary cancer-predisposing syndrome. Also called: Tumor predisposition; Hereditary Cancer Syndrome; Hereditary neoplastic syndrome; Neoplastic Syndromes, Hereditary. Identifiers: Orphanet 140162, MedGen C0027672, MeSH D009386, MONDO:0015356.

gnomAD v4.1: 4 of 1,614,100 alleles (0.00025%); highest among the groups gnomAD compares: Non-Finnish European, 0.00025%; no homozygotes.

Submissions (8):

Labcorp Genetics (formerly Invitae), Labcorp
Classification: Benign for Hereditary nonpolyposis colorectal neoplasms. Last evaluated: 2026-01-26. Review status: criteria provided, single submitter. Criteria: Invitae Variant Classification Sherloc (09022015). Collection method: clinical testing. Allele origin: germline.

Quest Diagnostics Nichols Institute San Juan Capistrano
Classification: Uncertain significance. Last evaluated: 2025-08-14. Review status: criteria provided, single submitter. Criteria: Quest Diagnostics criteria. Collection method: clinical testing. Allele origin: unknown.
Comment: The MSH6 c.2355T>A (p.His785Gln) variant has not been reported in individuals with MSH6-related conditions in the published literature. This variant has not been reported in large, multi-ethnic general populations (Genome Aggregation Database). Analysis of this variant using bioinformatics tools for the prediction of the effect of amino acid changes on protein structure and function yielded predictions that this variant is benign. Based on the available information, we are unable to determine the clinical significance of this variant.

St. Jude Molecular Pathology, St. Jude Children's Research Hospital
Classification: Uncertain significance for Lynch syndrome 5. Last evaluated: 2025-01-22. Review status: criteria provided, single submitter. Criteria: St. Jude Assertion Criteria 2020. Collection method: clinical testing. Allele origin: germline.
Comment: The MSH6 c.2355T>A p.(His785Gln) missense change is absent in gnomAD v2.1.1. In silico tools predict a benign effect of this variant on protein function, but to our knowledge this prediction has not been confirmed by functional studies. To our knowledge, this variant has not been reported in individuals with Lynch syndrome or constitutional mismatch repair deficiency. In summary, the evidence currently available is insufficient to determine the clinical significance of this variant. It has therefore been classified as of uncertain significance.

Color Diagnostics, LLC DBA Color Health
Classification: Uncertain significance for Hereditary cancer-predisposing syndrome. Last evaluated: 2024-03-06. Review status: criteria provided, single submitter. Criteria: ACMG Guidelines, 2015. Collection method: clinical testing. Allele origin: germline.
Comment: This missense variant replaces histidine with glutamine at codon 785 of the MSH6 protein. Computational prediction suggests that this variant may not impact protein structure and function (internally defined REVEL score threshold <= 0.5, PMID: 27666373). To our knowledge, functional studies have not been reported for this variant. This variant has not been reported in individuals affected with MSH6-related disorders in the literature. This variant has not been identified in the general population by the Genome Aggregation Database (gnomAD). The available evidence is insufficient to determine the role of this variant in disease conclusively. Therefore, this variant is classified as a Variant of Uncertain Significance.

Baylor Genetics
Classification: Uncertain significance for Endometrial carcinoma. Last evaluated: 2024-02-26. Review status: criteria provided, single submitter. Criteria: ACMG Guidelines, 2015. Collection method: clinical testing. Allele origin: unknown.

Ambry Genetics
Classification: Uncertain significance for Hereditary cancer-predisposing syndrome. Last evaluated: 2023-12-06. Review status: criteria provided, single submitter. Criteria: Ambry Variant Classification Scheme 2023. Collection method: clinical testing. Allele origin: germline.
Comment: The p.H785Q variant (also known as c.2355T>A), located in coding exon 4 of the MSH6 gene, results from a T to A substitution at nucleotide position 2355. The histidine at codon 785 is replaced by glutamine, an amino acid with highly similar properties. This amino acid position is poorly conserved in available vertebrate species. In addition, this alteration is predicted to be tolerated by in silico analysis. Since supporting evidence is limited at this time, the clinical significance of this alteration remains unclear.

All of Us Research Program, National Institutes of Health
Classification: Uncertain significance for Lynch syndrome. Last evaluated: 2023-11-02. Review status: criteria provided, single submitter. Criteria: ACMG Guidelines, 2015. Collection method: clinical testing. Allele origin: germline. Inheritance: Autosomal dominant inheritance. Observed: 6 variant alleles, 6 heterozygotes.
Comment: This missense variant replaces histidine with glutamine at codon 785 of the MSH6 protein. Computational prediction suggests that this variant may not impact protein structure and function (internally defined REVEL score threshold <= 0.5, PMID: 27666373). To our knowledge, functional studies have not been reported for this variant. This variant has not been reported in individuals affected with MSH6-related disorders in the literature. This variant has not been identified in the general population by the Genome Aggregation Database (gnomAD). The available evidence is insufficient to determine the role of this variant in disease conclusively. Therefore, this variant is classified as a Variant of Uncertain Significance.

This study involves interpretation of variants in research participants for the purpose of population health screening. Participant phenotype was not available at the time of variant classification. Additional details can be found in publication PMID: 35346344, PMCID: PMC8962531

GeneDx
Classification: Uncertain significance. Last evaluated: 2023-10-11. Review status: criteria provided, single submitter. Criteria: GeneDx Variant Classification Process June 2021. Collection method: clinical testing. Allele origin: germline. Affected: yes.
Comment: Not observed at significant frequency in large population cohorts (gnomAD); In silico analysis supports that this missense variant does not alter protein structure/function; Has not been previously published as pathogenic or benign to our knowledge; This variant is associated with the following publications: (PMID: 17531815, 21120944)